The following is an entry in ClinVar:

ClinVar aggregate classification (germline): Likely benign (1 of 4 stars; one submission).

Conditions:
Neurofibromatosis, type 1 (NF1). Also called: VON RECKLINGHAUSEN DISEASE; NEUROFIBROMATOSIS, TYPE I, SOMATIC; Peripheral type neurofibromatosis; Neurofibromatosis, type I. Identifiers: Orphanet 636, MedGen C0027831, MONDO:0018975, OMIM 162200. Disease mechanism: loss of function.

gnomAD v4.1: 8 of 1,559,846 alleles (0.00051%); highest among the groups gnomAD compares: Middle Eastern, 0.017%; no homozygotes.

Submission:

Myriad Genetics, Inc.
Classification: Likely benign for Neurofibromatosis, type 1. Last evaluated: 2026-05-11. Review status: criteria provided, single submitter. Criteria: Myriad Autosomal Dominant, Autosomal Recessive and X-Linked Classification Criteria (2023). Collection method: clinical testing. Allele origin: unknown.
Comment: This variant is considered likely benign. This variant is intronic and is not expected to impact mRNA splicing.

NM_001042492.3(NF1):c.655-19T>C

Gene: NF1 (neurofibromin 1; plus strand). Cytogenetic location: 17q11.2.
Variant type: single nucleotide variant.
Coding change: c.655-19T>C on transcript NM_001042492.3 (MANE Select); 19 bases into the intron before coding-DNA position 655, T replaced by C.
Molecular consequence: intron variant.
Genome position (GRCh38, 1-based): chr17:31,181,691, T>C. VCF-style: chr17-31181691-T-C. GRCh37 (hg19) VCF-style: chr17-29508709-T-C.
Other names: c.655-19T>C (NM_000267.4, NM_001128147.3).
Identifiers: ClinVar variation 4876156 (VCV004876156.1).
Genomic context (GRCh38, chr17:31,181,691, plus strand): 5'-AGGAAGTTAGAAGTTTGTGACATTTTATTTACTGTATTACAAAAAATCACTGTAAAGACA[T>C]GTGGTTCTTTATTTATAGGCATTTTGGAACTGGGTAGAAAATTATCCAGATGAATTTACA-3'